The following is an entry in ClinVar:

NM_001184.4(ATR):c.2226T>C (p.Cys742=)

Gene: ATR (ATR checkpoint kinase; minus strand). Cytogenetic location: 3q23.
Variant type: single nucleotide variant.
Coding change: c.2226T>C on transcript NM_001184.4 (MANE Select); coding-DNA position 2226, T replaced by C.
Protein change: p.Cys742=; no amino-acid change (cysteine 742 retained).
Molecular consequence: synonymous variant.
Genome position (GRCh38, 1-based): chr3:142,555,992, A>G on the plus strand (T>C on the coding strand, the complement: ATR is on the minus strand). VCF-style: chr3-142555992-A-G. GRCh37 (hg19) VCF-style: chr3-142274834-A-G.
Other names: c.2034T>C, p.Cys678= (NM_001354579.2).
Identifiers: ClinVar variation 343616 (VCV000343616.56), dbSNP rs147895945, ClinGen allele CA2650404.

ClinVar aggregate classification (germline): Conflicting classifications of pathogenicity. Review status: criteria provided, conflicting classifications (1 of 4 stars). 5 submissions from 5 submitters: Uncertain significance (1); Benign (1); Likely benign (3). Last evaluated 2026-05-01.

Conditions:
Seckel syndrome 1 (SCKL1). Also called: MICROCEPHALIC PRIMORDIAL DWARFISM I. Identifiers: Orphanet 808, MedGen C4551474, MONDO:0008869, OMIM 210600.

Allele frequency attached by ClinVar (database versions not stated): gnomAD 0.00067 and 0.00071; ExAC 0.00084; gnomAD exomes 0.00084 and 0.00114; TOPMed 0.00087; 1000 Genomes Project 30x 0.00094; 1000 Genomes Project 0.00100; ESP Exome Variant Server 0.00100.
gnomAD v4.1: 1,756 of 1,614,058 alleles (0.11%); highest among the groups gnomAD compares: Non-Finnish European, 0.13%; 1 homozygote.

Submissions (5):

CeGaT Center for Human Genetics Tuebingen
Classification: Likely benign. Last evaluated: 2026-05-01. Review status: criteria provided, single submitter. Criteria: CeGaT Center For Human Genetics Tuebingen Variant Classification Criteria Version 2. Collection method: clinical testing. Allele origin: germline. Affected: yes. Observed: 9 variant alleles.
Comment: ATR: BP4, BP7

Labcorp Genetics (formerly Invitae), Labcorp
Classification: Benign. Last evaluated: 2026-01-26. Review status: criteria provided, single submitter. Criteria: Invitae Variant Classification Sherloc (09022015). Collection method: clinical testing. Allele origin: germline.

Blueprint Genetics
Classification: Likely benign. Last evaluated: 2024-11-18. Review status: criteria provided, single submitter. Criteria: ACMG Guidelines, 2015. Collection method: clinical testing. Allele origin: germline.

ARUP Laboratories, Molecular Genetics and Genomics, ARUP Laboratories
Classification: Likely benign. Last evaluated: 2023-11-28. Review status: criteria provided, single submitter. Criteria: ARUP Molecular Germline Variant Investigation Process 2024. Collection method: clinical testing. Allele origin: germline.

Illumina Laboratory Services, Illumina
Classification: Uncertain significance for Seckel syndrome 1. Last evaluated: 2018-01-12. Review status: criteria provided, single submitter. Criteria: ICSL Variant Classification Criteria 13 December 2019. Collection method: clinical testing. Allele origin: germline.